The following is an entry in ClinVar:

ClinVar aggregate classification (germline): Likely pathogenic (1 of 4 stars; one submission).

Conditions:
Familial cancer of breast. Also called: BREAST CANCER, FAMILIAL; hereditary breast carcinoma; Hereditary breast cancer. Identifiers: Orphanet 227535, MedGen C0346153, MONDO:0016419, OMIM 114480. Disease mechanism: loss of function.

Submission:

Juno Genomics, Hangzhou Juno Genomics, Inc
Classification: Likely pathogenic for Familial cancer of breast. Review status: criteria provided, single submitter. Criteria: ACMG Guidelines, 2015. Collection method: clinical testing. Allele origin: germline.
Comment: Absent from controls (or at extremely low frequency if recessive) in Genome Aggregation Database.;Null variant in a gene where loss of function (LOF) is a known mechanism of disease.

NM_000465.4(BARD1):c.1450_1451dup (p.Ala485fs)

Gene: BARD1 (BRCA1 associated RING domain 1; minus strand). Cytogenetic location: 2q35.
Variant type: Duplication.
Coding change: c.1450_1451dup on transcript NM_000465.4 (MANE Select); coding-DNA positions 1450 to 1451, 2 bases duplicated (AA; older notation c.1450_1451dupAA).
Protein change: p.Ala485fs; shifts the reading frame from alanine 485.
Molecular consequence: frameshift variant. On other transcripts: non-coding transcript variant (3), intron variant (3).
Genome position (GRCh38, 1-based): chr2:214,767,599-214,767,600, TT duplicated on the plus strand (AA on the coding strand, the reverse complement: BARD1 is on the minus strand). VCF-style (leftmost placement, unchanged base first): chr2-214767598-C-CTT. GRCh37 (hg19) VCF-style: chr2-215632322-C-CTT.
Other names: c.1393_1394dup, p.Ala466fs (NM_001282543.2); c.159-15045_159-15044dup (NM_001282548.2); c.216-15045_216-15044dup (NM_001282545.2); c.364+24697_364+24698dup (NM_001282549.2); short protein forms A466fs, A485fs.
Identifiers: ClinVar variation 3382148 (VCV003382148.3).